The following is an entry in ClinVar:

NC_000007.13:g.(117242918_117243585)_(117243837_117246727)dup

Gene: CFTR (CF transmembrane conductance regulator; plus strand). Cytogenetic location: 7q31.2.
Variant type: Duplication.
Identifiers: ClinVar variation 2682477 (VCV002682477.1).

ClinVar aggregate classification (germline): Likely pathogenic (1 of 4 stars; one submission).

Conditions:
Cystic fibrosis (CF). Also called: MUCOVISCIDOSIS. Identifiers: Orphanet 586, MedGen C0010674, MONDO:0009061, OMIM 219700. Disease mechanism: loss of function.

Submission:

Women's Health and Genetics/Laboratory Corporation of America, LabCorp
Classification: Likely pathogenic for Cystic fibrosis. Last evaluated: 2023-11-02. Review status: criteria provided, single submitter. Criteria: LabCorp Variant Classification Summary - May 2015. Collection method: clinical testing. Allele origin: germline.
Comment: Variant summary: The variant involves the duplication of exon 17 in the CFTR gene. A presumed nomenclature of c.(2657+1_2658-1)_(2908+1_2909-1)dup has been designated for the purposes of this classification. It is assumed to be a tandem duplication in direct orientation (Richardson_GIM_2018, Newman_AJHG_2015). This Copy Number Variant (CNV) is expected to alter the reading frame and predicted to result in a truncation or absence of the encoded protein due to nonsense mediated decay (NMD). The variant was absent in 21694 control chromosomes. The available data on variant occurrences in the general population are insufficient to allow any conclusion about variant significance. To our knowledge, no occurrence of c.(2657+1_2658-1)_(2908+1_2909-1)dup in individuals affected with Cystic Fibrosis and no experimental evidence demonstrating its impact on protein function have been reported. No submitters have cited clinical-significance assessments for this variant to ClinVar after 2014. Based on the evidence outlined above, the variant was classified as likely pathogenic.